The following is an entry in ClinVar:

ClinVar aggregate classification (germline): Uncertain significance (1 of 4 stars; one submission).

Conditions:
Hereditary breast ovarian cancer syndrome. Also called: Hereditary breast and ovarian cancer; Hereditary breast and ovarian cancer syndrome (HBOC); Breast and ovarian cancer; Hereditary breast and/or ovarian cancer syndrome; BRCA1- and BRCA2-Associated Hereditary Breast and Ovarian Cancer; Hereditary breast and ovarian cancer syndrome. Identifiers: Orphanet 145, MedGen C0677776, MeSH D061325, MONDO:0003582. Disease mechanism: loss of function.

Submissions (2):

Labcorp Genetics (formerly Invitae), Labcorp
Classification: Uncertain significance for Hereditary breast ovarian cancer syndrome. Last evaluated: 2022-02-02. Review status: criteria provided, single submitter. Criteria: Invitae Variant Classification Sherloc (09022015). Collection method: clinical testing. Allele origin: germline.
Comment: This sequence change replaces glutamine, which is neutral and polar, with glutamic acid, which is acidic and polar, at codon 1785 of the BRCA1 protein (p.Gln1785Glu). This variant is not present in population databases (gnomAD no frequency). This variant has not been reported in the literature in individuals affected with BRCA1-related conditions. ClinVar contains an entry for this variant (Variation ID: 868367). Advanced modeling of protein sequence and biophysical properties (such as structural, functional, and spatial information, amino acid conservation, physicochemical variation, residue mobility, and thermodynamic stability) performed at Invitae indicates that this missense variant is not expected to disrupt BRCA1 protein function. Experimental studies have shown that this missense change does not substantially affect BRCA1 function (PMID: 30209399). In summary, the available evidence is currently insufficient to determine the role of this variant in disease. Therefore, it has been classified as a Variant of Uncertain Significance.

Brotman Baty Institute, University of Washington
No classification provided (evidence only). Condition: Breast-ovarian cancer, familial 1. Review status: no classification provided. Collection method: in vitro. Allele origin: not applicable. Functional consequence: functionally_normal. Not counted in ClinVar's aggregate classification.
ClinVar note: "not provided" was previously submitted as the classification for the variant. However, the classification appeared to be based only on an observation of functional data so it was converted to no classification on 2025-07-30.

Literature cited by the submitters: PubMed 30209399 (cited by Labcorp Genetics (formerly Invitae), Labcorp).

NM_007294.4(BRCA1):c.5353C>G (p.Gln1785Glu)

Gene: BRCA1 (BRCA1 DNA repair associated; minus strand). Cytogenetic location: 17q21.31.
Variant type: single nucleotide variant.
Coding change: c.5353C>G on transcript NM_007294.4 (MANE Select); coding-DNA position 5353, C replaced by G.
Protein change: p.Gln1785Glu; replaces glutamine 1785 with glutamic acid.
Molecular consequence: missense variant. On other transcripts: non-coding transcript variant (1), intron variant (1).
Genome position (GRCh38, 1-based): chr17:43,049,174, G>C on the plus strand (C>G on the coding strand, the complement: BRCA1 is on the minus strand). VCF-style: chr17-43049174-G-C. GRCh37 (hg19) VCF-style: chr17-41201191-G-C.
Other names: c.5140C>G, p.Gln1714Glu (NM_001407571.1, NM_001407904.1, NM_001407906.1 and 12 more transcripts); c.5419C>G, p.Gln1807Glu (NM_001407581.1, NM_001407582.1); c.5416C>G, p.Gln1806Glu (NM_001407583.1, NM_001407585.1, NM_001407587.1 and 1 more transcripts); c.5413C>G, p.Gln1805Glu (NM_001407590.1, NM_001407591.1); c.5353C>G, p.Gln1785Glu (NM_001407593.1, NM_001407594.1, NM_001407596.1 and 5 more transcripts); c.5350C>G, p.Gln1784Glu (NM_001407610.1, NM_001407611.1, NM_001407612.1 and 14 more transcripts); c.5347C>G, p.Gln1783Glu (NM_001407627.1, NM_001407628.1, NM_001407629.1 and 13 more transcripts); c.5344C>G, p.Gln1782Glu (NM_001407645.1, NM_001407644.1); and 73 more; short protein forms Q1806E, Q681E, Q1738E, Q1785E, Q1489E, Q1656E, Q1672E, Q1696E.
Identifiers: ClinVar variation 868367 (VCV000868367.8), dbSNP rs80356969, ClinGen allele CA10590756.